The following is an entry in ClinVar:

ClinVar aggregate classification (germline): Uncertain significance (1 of 4 stars; one submission).

Allele frequency attached by ClinVar (database versions not stated): gnomAD exomes below 0.00001.
gnomAD v4.1: 2 of 1,614,088 alleles (0.00012%); highest among the groups gnomAD compares: African/African-American, 0.0013%; no homozygotes.

Submission:

Labcorp Genetics (formerly Invitae), Labcorp
Classification: Uncertain significance. Last evaluated: 2023-10-11. Review status: criteria provided, single submitter. Criteria: Invitae Variant Classification Sherloc (09022015). Collection method: clinical testing. Allele origin: germline.
Comment: This sequence change replaces alanine, which is neutral and non-polar, with valine, which is neutral and non-polar, at codon 676 of the MKL1 protein (p.Ala676Val). This variant is not present in population databases (gnomAD no frequency). This variant has not been reported in the literature in individuals affected with MKL1-related conditions. An algorithm developed to predict the effect of missense changes on protein structure and function (PolyPhen-2) suggests that this variant is likely to be tolerated. In summary, the available evidence is currently insufficient to determine the role of this variant in disease. Therefore, it has been classified as a Variant of Uncertain Significance.

NM_020831.6(MRTFA):c.2327C>T (p.Ala776Val)

Gene: MRTFA (myocardin related transcription factor A; minus strand). Cytogenetic location: 22q13.1.
Variant type: single nucleotide variant.
Coding change: c.2327C>T on transcript NM_020831.6 (MANE Select); coding-DNA position 2327, C replaced by T.
Protein change: p.Ala776Val; replaces alanine 776 with valine.
Molecular consequence: missense variant.
Genome position (GRCh38, 1-based): chr22:40,418,411, G>A on the plus strand (C>T on the coding strand, the complement: MRTFA is on the minus strand). VCF-style: chr22-40418411-G-A. GRCh37 (hg19) VCF-style: chr22-40814415-G-A.
Other names: c.2027C>T, p.Ala676Val (NM_001282660.2); c.2177C>T, p.Ala726Val (NM_001282661.3); c.2327C>T, p.Ala776Val (NM_001282662.3); c.2132C>T, p.Ala711Val (NM_001318139.2); short protein forms A676V, A711V, A726V, A776V.
Identifiers: ClinVar variation 3006769 (VCV003006769.3), dbSNP rs2517811309, ClinGen allele CA411657174.